The following is an entry in ClinVar:

NM_004984.4(KIF5A):c.2902G>C (p.Asp968His)

Gene: KIF5A (kinesin family member 5A; plus strand). Cytogenetic location: 12q13.3.
Variant type: single nucleotide variant.
Coding change: c.2902G>C on transcript NM_004984.4 (MANE Select); coding-DNA position 2902, G replaced by C.
Protein change: p.Asp968His; replaces aspartic acid 968 with histidine.
Molecular consequence: missense variant.
Genome position (GRCh38, 1-based): chr12:57,581,561, G>C. VCF-style: chr12-57581561-G-C. GRCh37 (hg19) VCF-style: chr12-57975344-G-C.
Other names: c.2635G>C, p.Asp879His (NM_001354705.2); short protein forms D968H, D879H.
Identifiers: ClinVar variation 1480652 (VCV001480652.8), dbSNP rs764332673, ClinGen allele CA6653235.

ClinVar aggregate classification (germline): Uncertain significance (1 of 4 stars; one submission).

Conditions:
Spastic paraplegia. Identifiers: MedGen C0037772, HP:0001258.

Allele frequency attached by ClinVar (database versions not stated): gnomAD exomes below 0.00001; ExAC 0.00001; TOPMed 0.00001.
gnomAD v4.1: 6 of 1,614,026 alleles (0.00037%); highest among the groups gnomAD compares: Non-Finnish European, 0.00042%; no homozygotes.

Submission:

Labcorp Genetics (formerly Invitae), Labcorp
Classification: Uncertain significance for Spastic paraplegia. Last evaluated: 2025-10-21. Review status: criteria provided, single submitter. Criteria: Invitae Variant Classification Sherloc (09022015). Collection method: clinical testing. Allele origin: germline.
Comment: This sequence change replaces aspartic acid, which is acidic and polar, with histidine, which is basic and polar, at codon 968 of the KIF5A protein (p.Asp968His). The frequency data for this variant in the population databases is considered unreliable, as metrics indicate poor data quality at this position in the gnomAD database. This variant has not been reported in the literature in individuals affected with KIF5A-related conditions. ClinVar contains an entry for this variant (Variation ID: 1480652). Invitae Evidence Modeling of protein sequence and biophysical properties (such as structural, functional, and spatial information, amino acid conservation, physicochemical variation, residue mobility, and thermodynamic stability) indicates that this missense variant is not expected to disrupt KIF5A protein function with a negative predictive value of 95%. In summary, the available evidence is currently insufficient to determine the role of this variant in disease. Therefore, it has been classified as a Variant of Uncertain Significance.